The following is an entry in ClinVar:

ClinVar aggregate classification (germline): Likely benign (1 of 4 stars; one submission).

Allele frequency attached by ClinVar (database versions not stated): gnomAD exomes 0.00017; ExAC 0.00021; ESP Exome Variant Server 0.00023; gnomAD 0.00026; 1000 Genomes Project 30x 0.00031; TOPMed 0.00031; 1000 Genomes Project 0.00040.

Submission:

CeGaT Center for Human Genetics Tuebingen
Classification: Likely benign. Last evaluated: 2023-12-01. Review status: criteria provided, single submitter. Criteria: CeGaT Center For Human Genetics Tuebingen Variant Classification Criteria Version 2. Collection method: clinical testing. Allele origin: germline. Affected: yes. Observed: 1 variant allele.
Comment: CNOT2: BP4, BS2

NM_014515.7(CNOT2):c.48+7C>T

Gene: CNOT2 (CCR4-NOT transcription complex subunit 2; plus strand). Cytogenetic location: 12q15.
Variant type: single nucleotide variant.
Coding change: c.48+7C>T on transcript NM_014515.7 (MANE Select); 7 bases into the intron after coding-DNA position 48, C replaced by T.
Molecular consequence: intron variant.
Genome position (GRCh38, 1-based): chr12:70,278,281, C>T. VCF-style: chr12-70278281-C-T. GRCh37 (hg19) VCF-style: chr12-70672061-C-T.
Other names: c.48+7C>T (NM_001199302.2, NM_001414652.1, NM_001414662.1 and 4 more transcripts); c.-391+7C>T (NM_001414655.1); c.-200+7C>T (NM_001414660.1); c.-204+7C>T (NM_001414653.1); c.-192+7C>T (NM_001414657.1); c.-38+7C>T (NM_001414654.1); c.-174+7C>T (NM_001414659.1); c.-12-32614C>T (NM_001414658.1).
Identifiers: ClinVar variation 3025021 (VCV003025021.22), dbSNP rs372740317, ClinGen allele CA6682547.